The following is an entry in ClinVar:

NM_000465.4(BARD1):c.1316G>T (p.Gly439Val)

Gene: BARD1 (BRCA1 associated RING domain 1; minus strand). Cytogenetic location: 2q35.
Variant type: single nucleotide variant.
Coding change: c.1316G>T on transcript NM_000465.4 (MANE Select); coding-DNA position 1316, G replaced by T.
Protein change: p.Gly439Val; replaces glycine 439 with valine.
Molecular consequence: missense variant. On other transcripts: non-coding transcript variant (3), intron variant (3).
Genome position (GRCh38, 1-based): chr2:214,769,311, C>A on the plus strand (G>T on the coding strand, the complement: BARD1 is on the minus strand). VCF-style: chr2-214769311-C-A. GRCh37 (hg19) VCF-style: chr2-215634035-C-A.
Other names: c.1259G>T, p.Gly420Val (NM_001282543.2); c.159-16756G>T (NM_001282548.2); c.216-16756G>T (NM_001282545.2); c.364+22986G>T (NM_001282549.2); short protein forms G420V, G439V.
Identifiers: ClinVar variation 1804607 (VCV001804607.7), dbSNP rs1694366890, ClinGen allele CA350450580.
Genomic context (GRCh38, chr2:214,769,311, plus strand): 5'-TGGTCTTTAACATTTGGATCACTTCCATTTTGTAAAAGGTATTCAACAGAAGGTATGTCG[C>A]CCTAGAAAAATGAACAAAACGGAAATTAAAAAGCATTAAGGAAAGAAAGGAAAATATTGA-3'
Protein context (NP_000456.2, residues 429-449): ETLLHIASIK[Gly439Val]DIPSVEYLLQ

ClinVar aggregate classification (germline): Uncertain significance. Review status: criteria provided, multiple submitters, no conflicts (2 of 4 stars). 3 submissions from 3 submitters: Uncertain significance (3). Last evaluated 2024-07-11.

Conditions:
Familial cancer of breast. Also called: BREAST CANCER, FAMILIAL; Hereditary breast cancer; hereditary breast carcinoma. Identifiers: Orphanet 227535, MedGen C0346153, MONDO:0016419, OMIM 114480. Disease mechanism: loss of function.
Hereditary cancer-predisposing syndrome. Also called: Neoplastic Syndromes, Hereditary; Tumor predisposition; Hereditary neoplastic syndrome; Hereditary Cancer Syndrome. Identifiers: Orphanet 140162, MedGen C0027672, MeSH D009386, MONDO:0015356.

Submissions (3):

GeneDx
Classification: Uncertain significance. Last evaluated: 2024-07-11. Review status: criteria provided, single submitter. Criteria: GeneDx Variant Classification Process June 2021. Collection method: clinical testing. Allele origin: germline.
Comment: Not observed at significant frequency in large population cohorts (gnomAD); In silico analysis supports that this missense variant has a deleterious effect on protein structure/function; Has not been previously published as pathogenic or benign to our knowledge; This variant is associated with the following publications: (PMID: 18480049)

Labcorp Genetics (formerly Invitae), Labcorp
Classification: Uncertain significance for Familial cancer of breast. Last evaluated: 2024-01-17. Review status: criteria provided, single submitter. Criteria: Invitae Variant Classification Sherloc (09022015). Collection method: clinical testing. Allele origin: germline.
Comment: This sequence change replaces glycine, which is neutral and non-polar, with valine, which is neutral and non-polar, at codon 439 of the BARD1 protein (p.Gly439Val). This variant is not present in population databases (gnomAD no frequency). This variant has not been reported in the literature in individuals affected with BARD1-related conditions. ClinVar contains an entry for this variant (Variation ID: 1804607). An algorithm developed to predict the effect of missense changes on protein structure and function (PolyPhen-2) suggests that this variant is likely to be disruptive. In summary, the available evidence is currently insufficient to determine the role of this variant in disease. Therefore, it has been classified as a Variant of Uncertain Significance.

Ambry Genetics
Classification: Uncertain significance for Hereditary cancer-predisposing syndrome. Last evaluated: 2023-04-28. Review status: criteria provided, single submitter. Criteria: Ambry Variant Classification Scheme 2023. Collection method: clinical testing. Allele origin: germline.
Comment: The p.G439V variant (also known as c.1316G>T), located in coding exon 5 of the BARD1 gene, results from a G to T substitution at nucleotide position 1316. The glycine at codon 439 is replaced by valine, an amino acid with dissimilar properties. This amino acid position is conserved. In addition, this alteration is predicted to be deleterious by in silico analysis. Since supporting evidence is limited at this time, the clinical significance of this alteration remains unclear.